The following is an entry in ClinVar:

ClinVar aggregate classification (germline): Uncertain significance (1 of 4 stars; one submission).

Submission:

GeneDx
Classification: Uncertain significance. Last evaluated: 2024-10-15. Review status: criteria provided, single submitter. Criteria: GeneDx Variant Classification Process June 2021. Collection method: clinical testing. Allele origin: germline. Affected: yes.
Comment: Not observed at significant frequency in large population cohorts (gnomAD); Intronic +5 splice site variant in a gene for which loss of function is a known mechanism of disease, and both splice predictors and evolutionary conservation support a deleterious effect, although in the absence of functional evidence the actual effect of this sequence change is unknown.; Has not been previously published as pathogenic or benign to our knowledge

NM_004463.3(FGD1):c.2274+5G>C

Gene: FGD1 (FYVE, RhoGEF and PH domain containing 1; minus strand). Cytogenetic location: Xp11.22.
Variant type: single nucleotide variant.
Coding change: c.2274+5G>C on transcript NM_004463.3 (MANE Select); 5 bases into the intron after coding-DNA position 2274, G replaced by C.
Molecular consequence: intron variant.
Genome position (GRCh38, 1-based): chrX:54,449,138, C>G on the plus strand (G>C on the coding strand, the complement: FGD1 is on the minus strand). VCF-style: chrX-54449138-C-G. GRCh37 (hg19) VCF-style: chrX-54475571-C-G.
Identifiers: ClinVar variation 3781096 (VCV003781096.1).
Genomic context (GRCh38, chrX:54,449,138, plus strand): 5'-GCAGTGGGCCTTTGGGCTGCCATTCTGTCCCCTCCCTAGCTCTGCCCCTGCCTCCCAACA[C>G]TCACATGCCCGCAGGCCTTGCAGTGGTGCCTGCGTTTGGTGATAGAATTGAAGGGCTCCT-3'